The following is an entry in ClinVar:

NM_000533.5(PLP1):c.454-20C>A

Genes: PLP1 (proteolipid protein 1; plus strand), RAB9B (RAB9B, member RAS oncogene family; minus strand). Cytogenetic location: Xq22.2.
Variant type: single nucleotide variant.
Coding change: c.454-20C>A on transcript NM_000533.5 (MANE Select); 20 bases into the intron before coding-DNA position 454, C replaced by A.
Molecular consequence: intron variant.
Genome position (GRCh38, 1-based): chrX:103,787,778, C>A. VCF-style: chrX-103787778-C-A. GRCh37 (hg19) VCF-style: chrX-103042707-C-A.
Other names: c.454-20C>A (NM_001128834.3); c.349-20C>A (NM_199478.3); c.289-20C>A (NM_001305004.1).
Identifiers: ClinVar variation 1028821 (VCV001028821.1), dbSNP rs1328774826, ClinGen allele CA2449053437.

ClinVar aggregate classification (germline): Uncertain significance (1 of 4 stars; one submission).

Conditions:
Pelizaeus-Merzbacher disease. Also called: Sudanophilic leukodystrophy; Pelizeaus-Merzbacher spectrum disorder; LEUKODYSTROPHY, HYPOMYELINATING, 1; Pelizaeus-Merzbacher spectrum disorder; Pelizaeus-Merzbacher Disease (PMD). Identifiers: Orphanet 702, MedGen C0205711, MONDO:0010714, OMIM 312080, HP:0003269.

gnomAD v4.1: 2 of 1,197,161 alleles (0.00017%); highest among the groups gnomAD compares: South Asian, 0.0035%; 1 homozygote.

Submission:

Baylor Genetics
Classification: Uncertain significance for Pelizaeus-Merzbacher disease. Last evaluated: 2019-04-05. Review status: criteria provided, single submitter. Criteria: ACMG Guidelines, 2015. Collection method: clinical testing. Allele origin: maternal. Affected: yes.
Comment: This variant was determined to be of uncertain significance according to ACMG Guidelines, 2015 [PMID:25741868].